The following is an entry in ClinVar:

ClinVar aggregate classification (germline): Pathogenic. Review status: criteria provided, multiple submitters, no conflicts (2 of 4 stars). 4 submissions from 4 submitters: Pathogenic (4). Last evaluated 2026-06-30.

Conditions:
Hereditary breast ovarian cancer syndrome. Also called: BRCA1- and BRCA2-Associated Hereditary Breast and Ovarian Cancer; Hereditary breast and ovarian cancer syndrome; Hereditary breast and ovarian cancer syndrome (HBOC); Breast and ovarian cancer; Hereditary breast and ovarian cancer; Hereditary breast and/or ovarian cancer syndrome. Identifiers: Orphanet 145, MedGen C0677776, MeSH D061325, MONDO:0003582. Disease mechanism: loss of function.
BRCA2-related disorder. Also called: BRCA2-related condition; BRCA2-related disorders. Identifiers: MedGen CN239275.
Hereditary cancer-predisposing syndrome. Also called: Neoplastic Syndromes, Hereditary; Hereditary Cancer Syndrome; Tumor predisposition; Hereditary neoplastic syndrome. Identifiers: Orphanet 140162, MedGen C0027672, MeSH D009386, MONDO:0015356.

Submissions (4):

PreventionGenetics, part of Exact Sciences
Classification: Pathogenic for BRCA2-related condition. Last evaluated: 2026-06-30. Review status: criteria provided, single submitter. Criteria: ACMG Guidelines, 2015. Collection method: clinical testing. Allele origin: germline.
Comment: The BRCA2 c.3215T>G variant is predicted to result in premature protein termination (p.Leu1072*). This variant has been reported in an individual with biliary cancer (eTable 1 and eTable 5, Mandelker et al. 2017. PubMed ID: 28873162). This variant has not been reported in a large population database (gnomAD), indicating this variant is rare. This variant is interpreted as pathogenic in ClinVar (Variation ID: 841473). Nonsense variants in BRCA2 are expected to be pathogenic. This variant is interpreted as pathogenic.

Labcorp Genetics (formerly Invitae), Labcorp
Classification: Pathogenic for Hereditary breast ovarian cancer syndrome. Last evaluated: 2025-06-27. Review status: criteria provided, single submitter. Criteria: Invitae Variant Classification Sherloc (09022015). Collection method: clinical testing. Allele origin: germline.
Comment: This sequence change creates a premature translational stop signal (p.Leu1072*) in the BRCA2 gene. It is expected to result in an absent or disrupted protein product. Loss-of-function variants in BRCA2 are known to be pathogenic (PMID: 20104584). This variant is not present in population databases (gnomAD no frequency). This variant has not been reported in the literature in individuals affected with BRCA2-related conditions. ClinVar contains an entry for this variant (Variation ID: 841473). For these reasons, this variant has been classified as Pathogenic.

Ambry Genetics
Classification: Pathogenic for Hereditary cancer-predisposing syndrome. Last evaluated: 2024-02-07. Review status: criteria provided, single submitter. Criteria: Ambry Variant Classification Scheme 2023. Collection method: clinical testing. Allele origin: germline.
Comment: The p.L1072* pathogenic mutation (also known as c.3215T>G), located in coding exon 10 of the BRCA2 gene, results from a T to G substitution at nucleotide position 3215. This changes the amino acid from a leucine to a stop codon within coding exon 10. This alteration is expected to result in loss of function by premature protein truncation or nonsense-mediated mRNA decay. As such, this alteration is interpreted as a disease-causing mutation.

Revvity Omics, Revvity
Classification: Pathogenic. Last evaluated: 2019-03-01. Review status: criteria provided, single submitter. Criteria: ACMG Guidelines, 2015. Collection method: clinical testing. Allele origin: germline.

Literature cited by the submitters: PubMed 20104584 (cited by Labcorp Genetics (formerly Invitae), Labcorp).

NM_000059.4(BRCA2):c.3215T>G (p.Leu1072Ter)

Gene: BRCA2 (BRCA2 DNA repair associated; plus strand). Cytogenetic location: 13q13.1.
Variant type: single nucleotide variant.
Coding change: c.3215T>G on transcript NM_000059.4 (MANE Select); coding-DNA position 3215, T replaced by G.
Protein change: p.Leu1072Ter; replaces leucine 1072 with a stop codon.
Molecular consequence: nonsense.
Genome position (GRCh38, 1-based): chr13:32,337,570, T>G. VCF-style: chr13-32337570-T-G. GRCh37 (hg19) VCF-style: chr13-32911707-T-G.
Other names: short protein forms L1072*.
Identifiers: ClinVar variation 841473 (VCV000841473.13), dbSNP rs2072475273, ClinGen allele CA387775890.